The following is an entry in ClinVar:

ClinVar aggregate classification (germline): Uncertain significance (1 of 4 stars; one submission).

Submission:

GeneDx
Classification: Uncertain significance. Last evaluated: 2024-07-03. Review status: criteria provided, single submitter. Criteria: GeneDx Variant Classification Process June 2021. Collection method: clinical testing. Allele origin: germline. Affected: yes.
Comment: Not observed at significant frequency in large population cohorts (gnomAD); In silico analysis indicates that this missense variant does not alter protein structure/function; Has not been previously published as pathogenic or benign to our knowledge

NM_000937.5(POLR2A):c.4417C>G (p.Leu1473Val)

Genes: POLR2A (RNA polymerase II subunit A; plus strand), LOC126862482 (CDK7 strongly-dependent group 2 enhancer GRCh37_chr17:7414586-7415785; plus strand). Cytogenetic location: 17p13.1.
Variant type: single nucleotide variant.
Coding change: c.4417C>G on transcript NM_000937.5 (MANE Select); coding-DNA position 4417, C replaced by G.
Protein change: p.Leu1473Val; replaces leucine 1473 with valine.
Molecular consequence: missense variant.
Genome position (GRCh38, 1-based): chr17:7,512,269, C>G. VCF-style: chr17-7512269-C-G. GRCh37 (hg19) VCF-style: chr17-7415588-C-G.
Other names: short protein forms L1473V.
Identifiers: ClinVar variation 3393545 (VCV003393545.1).